The following is an entry in ClinVar:

ClinVar aggregate classification (germline): Uncertain significance (1 of 4 stars; one submission).

Conditions:
Hereditary cancer-predisposing syndrome. Also called: Neoplastic Syndromes, Hereditary; Tumor predisposition; Hereditary neoplastic syndrome; Hereditary Cancer Syndrome. Identifiers: Orphanet 140162, MedGen C0027672, MeSH D009386, MONDO:0015356.

Submission:

Ambry Genetics
Classification: Uncertain significance for Hereditary cancer-predisposing syndrome. Last evaluated: 2026-07-07. Review status: criteria provided, single submitter. Criteria: Ambry Variant Classification Scheme 2023. Collection method: clinical testing. Allele origin: germline.
Comment: The p.G197S variant (also known as c.589G>A), located in coding exon 3 of the PHOX2B gene, results from a G to A substitution at nucleotide position 589. The glycine at codon 197 is replaced by serine, an amino acid with similar properties. This amino acid position is conserved. In addition, the in silico prediction for this alteration is inconclusive. Based on the available evidence, the clinical significance of this variant remains unclear.

NM_003924.4(PHOX2B):c.589G>A (p.Gly197Ser)

Gene: PHOX2B (paired like homeobox 2B; minus strand). Cytogenetic location: 4p13.
Variant type: single nucleotide variant.
Coding change: c.589G>A on transcript NM_003924.4 (MANE Select); coding-DNA position 589, G replaced by A.
Protein change: p.Gly197Ser; replaces glycine 197 with serine.
Molecular consequence: missense variant.
Genome position (GRCh38, 1-based): chr4:41,746,163, C>T on the plus strand (G>A on the coding strand, the complement: PHOX2B is on the minus strand). VCF-style: chr4-41746163-C-T. GRCh37 (hg19) VCF-style: chr4-41748180-C-T.
Other names: short protein forms G197S.
Identifiers: ClinVar variation 5026612 (VCV005026612.1).
Genomic context (GRCh38, chr4:41,746,163, plus strand): 5'-CGCCGCCGCCGCCTCCATTCGCCCCGCAGCTGGGGGTGGGGTTGGGATTGGGACCTGGGC[C>T]CCCAGTGCTGTCCGGGTCAGTGCTCTTGGCCTCTTTGCTCTCGTCGTCCCTGGAAGAGTC-3'
Protein context (NP_003915.2, residues 187-207): AKSTDPDSTG[Gly197Ser]PGPNPNPTPS